The following is an entry in ClinVar:

ClinVar aggregate classification (germline): Conflicting classifications of pathogenicity. Review status: criteria provided, conflicting classifications (1 of 4 stars). 6 submissions from 6 submitters: Uncertain significance (4); Likely benign (2). Last evaluated 2026-04-11.

Conditions:
TTN-related disorder. Also called: TTN-related condition; TTN-related disease; TTN-related disorders.
Dilated cardiomyopathy 1G (CMD1G). Identifiers: Orphanet 154, MedGen C1858763, MONDO:0011400, OMIM 604145.
Autosomal recessive limb-girdle muscular dystrophy type 2J (LGMDR10). Also called: Limb-girdle muscular dystrophy, type 2J; MUSCULAR DYSTROPHY, LIMB-GIRDLE, AUTOSOMAL RECESSIVE 10. Identifiers: Orphanet 140922, MedGen C1837342, MONDO:0012127, OMIM 608807.

Allele frequency attached by ClinVar (database versions not stated): gnomAD exomes 0.00002 and 0.00012; TOPMed 0.00005; gnomAD 0.00006; ExAC 0.00009.
gnomAD v4.1: 40 of 1,613,682 alleles (0.0025%); highest among the groups gnomAD compares: East Asian, 0.082%; no homozygotes.

Submissions (6):

PreventionGenetics, part of Exact Sciences
Classification: Uncertain significance for TTN-related condition. Last evaluated: 2026-04-11. Review status: criteria provided, single submitter. Criteria: ACMG Guidelines, 2015. Collection method: clinical testing. Allele origin: germline.
Comment: The TTN c.27709T>G variant is predicted to result in the amino acid substitution p.Ser9237Ala. To our knowledge, this variant has not been reported in the literature. This variant is reported in 0.17% of alleles in individuals of East Asian descent in gnomAD. Although we suspect that this variant may be benign, at this time, the clinical significance of this variant is uncertain due to the absence of conclusive functional and genetic evidence.

Molecular Diagnostic Laboratory for Inherited Cardiovascular Disease, Montreal Heart Institute
Classification: Likely benign. Last evaluated: 2025-04-09. Review status: criteria provided, single submitter. Criteria: ACMG Guidelines, 2015. Collection method: clinical testing. Allele origin: germline. Affected: no.

Mayo Clinic Laboratories, Mayo Clinic
Classification: Uncertain significance. Last evaluated: 2022-02-14. Review status: criteria provided, single submitter. Criteria: ACMG Guidelines, 2015. Collection method: clinical testing. Allele origin: germline. Observed: 2 variant alleles.
Comment: BP4

GeneDx
Classification: Likely benign. Last evaluated: 2020-03-13. Review status: criteria provided, single submitter. Criteria: GeneDx Variant Classification Process June 2021. Collection method: clinical testing. Allele origin: germline. Affected: yes.

Revvity Omics, Revvity
Classification: Uncertain significance. Last evaluated: 2019-12-03. Review status: criteria provided, single submitter. Criteria: ACMG Guidelines, 2015. Collection method: clinical testing. Allele origin: germline.

Labcorp Genetics (formerly Invitae), Labcorp
Classification: Uncertain significance for Dilated cardiomyopathy 1G; Autosomal recessive limb-girdle muscular dystrophy type 2J. Last evaluated: 2017-04-04. Review status: criteria provided, single submitter. Criteria: Invitae Variant Classification Sherloc (09022015). Collection method: clinical testing. Allele origin: germline.

NM_001267550.2(TTN):c.27709T>G (p.Ser9237Ala)

Gene: TTN (titin; minus strand). Cytogenetic location: 2q31.2.
Variant type: single nucleotide variant.
Coding change: c.27709T>G on transcript NM_001267550.2 (MANE Select); coding-DNA position 27709, T replaced by G.
Protein change: p.Ser9237Ala; replaces serine 9237 with alanine.
Molecular consequence: missense variant. On other transcripts: intron variant (3).
Genome position (GRCh38, 1-based): chr2:178,712,121, A>C on the plus strand (T>G on the coding strand, the complement: TTN is on the minus strand). VCF-style: chr2-178712121-A-C. GRCh37 (hg19) VCF-style: chr2-179576848-A-C.
Other names: p.S8920A:TCC>GCC; p.Ser7993Ala; c.26758T>G, p.Ser8920Ala (NM_001256850.1); c.23977T>G, p.Ser7993Ala (NM_133378.4); c.13282+25961T>G (NM_003319.4); c.13858+25961T>G (NM_133437.4); c.13657+25961T>G (NM_133432.3); short protein forms S8920A, S9237A, S7993A.
Identifiers: ClinVar variation 203351 (VCV000203351.10), dbSNP rs766638714, ClinGen allele CA312121.
Genomic context (GRCh38, chr2:178,712,121, plus strand): 5'-TCCTAAAATGCATTTTGTAAGTCGTAGTGGGTCTCAATTTTGTATCTCCTTTATACCAGG[A>C]TACCCCAATTTCAGGGGTTCCAGCAAGCTGGCATTGTAGAGAGGCAGAATCTCCAACAGA-3'
Protein context (NP_001254479.2, residues 9227-9247): QLAGTPEIGV[Ser9237Ala]WYKGDTKLRP